The following is an entry in ClinVar:

ClinVar aggregate classification (germline): Uncertain significance (1 of 4 stars; one submission).

Conditions:
Charcot-Marie-Tooth disease type 4. Also called: Charcot-Marie-Tooth, Type 4; Charcot-Marie-Tooth disease, type IV. Identifiers: Orphanet 64749, MedGen C4082197, MONDO:0018995.

Allele frequency attached by ClinVar (database versions not stated): gnomAD exomes below 0.00001; TOPMed below 0.00001.
gnomAD v4.1: 2 of 1,613,174 alleles (0.00012%); highest among the groups gnomAD compares: Non-Finnish European, 0.00017%; no homozygotes.

Submission:

Labcorp Genetics (formerly Invitae), Labcorp
Classification: Uncertain significance for Charcot-Marie-Tooth disease type 4. Last evaluated: 2021-08-30. Review status: criteria provided, single submitter. Criteria: Invitae Variant Classification Sherloc (09022015). Collection method: clinical testing. Allele origin: germline.
Comment: This sequence change replaces leucine with phenylalanine at codon 543 of the PRX protein (p.Leu543Phe). The leucine residue is weakly conserved and there is a small physicochemical difference between leucine and phenylalanine. This variant is not present in population databases (ExAC no frequency). This variant has not been reported in the literature in individuals affected with PRX-related conditions. Algorithms developed to predict the effect of missense changes on protein structure and function are either unavailable or do not agree on the potential impact of this missense change (SIFT: "Deleterious"; PolyPhen-2: "Benign"; Align-GVGD: "Class C0"). In summary, the available evidence is currently insufficient to determine the role of this variant in disease. Therefore, it has been classified as a Variant of Uncertain Significance.

NM_181882.3(PRX):c.1627C>T (p.Leu543Phe)

Gene: PRX (periaxin; minus strand). Cytogenetic location: 19q13.2.
Variant type: single nucleotide variant.
Coding change: c.1627C>T on transcript NM_181882.3 (MANE Select); coding-DNA position 1627, C replaced by T.
Protein change: p.Leu543Phe; replaces leucine 543 with phenylalanine.
Molecular consequence: missense variant. On other transcripts: 3 prime UTR variant (1).
Genome position (GRCh38, 1-based): chr19:40,396,725, G>A on the plus strand (C>T on the coding strand, the complement: PRX is on the minus strand). VCF-style: chr19-40396725-G-A. GRCh37 (hg19) VCF-style: chr19-40902632-G-A.
Other names: c.*1832C>T (NM_020956.2); short protein forms L543F.
Identifiers: ClinVar variation 1038852 (VCV001038852.6), dbSNP rs1370468682, ClinGen allele CA405898005.